The following is an entry in ClinVar:

NM_000127.3(EXT1):c.260A>T (p.Asp87Val)

Gene: EXT1 (exostosin glycosyltransferase 1; minus strand). Cytogenetic location: 8q24.11.
Variant type: single nucleotide variant.
Coding change: c.260A>T on transcript NM_000127.3 (MANE Select); coding-DNA position 260, A replaced by T.
Protein change: p.Asp87Val; replaces aspartic acid 87 with valine.
Molecular consequence: missense variant.
Genome position (GRCh38, 1-based): chr8:118,110,787, T>A on the plus strand (A>T on the coding strand, the complement: EXT1 is on the minus strand). VCF-style: chr8-118110787-T-A. GRCh37 (hg19) VCF-style: chr8-119123026-T-A.
Other names: short protein forms D87V.
Identifiers: ClinVar variation 1430375 (VCV001430375.6), dbSNP rs2130044605, ClinGen allele CA371916260.
Genomic context (GRCh38, chr8:118,110,787, plus strand): 5'-GTGAAATCGAAGCAGGACTCCATGCGGCACTTCTTGCCTTTGTAGATGCTGGAGTTGGCA[T>A]CTCGCTTCTGCCGGGGGGAAATGTGCACGCTGGAATCCTCGTTTTCCAATTGATCCCAAG-3'
Protein context (NP_000118.2, residues 77-97): SVHISPRQKR[Asp87Val]ANSSIYKGKK

ClinVar aggregate classification (germline): Uncertain significance (1 of 4 stars; one submission).

Conditions:
Multiple congenital exostosis (EXT). Also called: Hereditary multiple osteochondromas; Hereditary multiple exostoses; Hereditary multiple exostosis; Multiple osteochondromas; Multiple exostoses; MULTIPLE CARTILAGINOUS EXOSTOSES. Identifiers: Orphanet 321, MedGen C0015306, MONDO:0005508, HP:0002762.

gnomAD v4.1: 1 of 1,613,742 alleles (0.000062%); no homozygotes.

Submission:

Labcorp Genetics (formerly Invitae), Labcorp
Classification: Uncertain significance for Multiple congenital exostosis. Last evaluated: 2021-08-10. Review status: criteria provided, single submitter. Criteria: Invitae Variant Classification Sherloc (09022015). Collection method: clinical testing. Allele origin: germline.
Comment: This sequence change replaces aspartic acid with valine at codon 87 of the EXT1 protein (p.Asp87Val). The aspartic acid residue is moderately conserved and there is a large physicochemical difference between aspartic acid and valine. In summary, the available evidence is currently insufficient to determine the role of this variant in disease. Therefore, it has been classified as a Variant of Uncertain Significance. Advanced modeling of protein sequence and biophysical properties (such as structural, functional, and spatial information, amino acid conservation, physicochemical variation, residue mobility, and thermodynamic stability) performed at Invitae indicates that this missense variant is not expected to disrupt EXT1 protein function. This variant has not been reported in the literature in individuals affected with EXT1-related conditions. This variant is not present in population databases (ExAC no frequency).